The following is an entry in ClinVar:

ClinVar aggregate classification (germline): Uncertain significance (1 of 4 stars; one submission).

Conditions:
Agammaglobulinemia 2, autosomal recessive (AGM2). Also called: AGAMMAGLOBULINEMIA, AUTOSOMAL RECESSIVE, DUE TO IGLL1 DEFECT. Identifiers: MedGen C3150750, MONDO:0013287, OMIM 613500.

Allele frequency attached by ClinVar (database versions not stated): ExAC 0.00002; gnomAD 0.00002; gnomAD exomes 0.00001 and 0.00002; TOPMed 0.00003.

Submission:

Labcorp Genetics (formerly Invitae), Labcorp
Classification: Uncertain significance for Agammaglobulinemia 2, autosomal recessive. Last evaluated: 2025-01-21. Review status: criteria provided, single submitter. Criteria: Invitae Variant Classification Sherloc (09022015). Collection method: clinical testing. Allele origin: germline.
Comment: This sequence change replaces proline, which is neutral and non-polar, with leucine, which is neutral and non-polar, at codon 121 of the IGLL1 protein (p.Pro121Leu). This variant is present in population databases (rs746843426, gnomAD 0.006%). This variant has not been reported in the literature in individuals affected with IGLL1-related conditions. ClinVar contains an entry for this variant (Variation ID: 569037). An algorithm developed to predict the effect of missense changes on protein structure and function (PolyPhen-2) suggests that this variant is likely to be disruptive. In summary, the available evidence is currently insufficient to determine the role of this variant in disease. Therefore, it has been classified as a Variant of Uncertain Significance.

NM_020070.4(IGLL1):c.362C>T (p.Pro121Leu)

Gene: IGLL1 (immunoglobulin lambda like polypeptide 1; minus strand). Cytogenetic location: 22q11.23.
Variant type: single nucleotide variant.
Coding change: c.362C>T on transcript NM_020070.4 (MANE Select); coding-DNA position 362, C replaced by T.
Protein change: p.Pro121Leu; replaces proline 121 with leucine.
Molecular consequence: missense variant. On other transcripts: synonymous variant (1).
Genome position (GRCh38, 1-based): chr22:23,573,546, G>A on the plus strand (C>T on the coding strand, the complement: IGLL1 is on the minus strand). VCF-style: chr22-23573546-G-A. GRCh37 (hg19) VCF-style: chr22-23915733-G-A.
Other names: c.365C>T, p.Pro122Leu (NM_001369906.1); c.246C>T, p.Ala82= (NM_152855.3); short protein forms P121L, P122L.
Identifiers: ClinVar variation 569037 (VCV000569037.8), dbSNP rs746843426, ClinGen allele CA10143292.